The following is an entry in ClinVar:

ClinVar aggregate classification (germline): Uncertain significance (1 of 4 stars; one submission).

Conditions:
Developmental and epileptic encephalopathy, 23 (DEE23). Also called: Epileptic encephalopathy, early infantile, 23. Identifiers: Orphanet 411986, MedGen C4014492, MONDO:0014371, OMIM 615859.

Allele frequency attached by ClinVar (database versions not stated): TOPMed below 0.00001.

Submission:

Labcorp Genetics (formerly Invitae), Labcorp
Classification: Uncertain significance for Developmental and epileptic encephalopathy, 23. Last evaluated: 2022-08-16. Review status: criteria provided, single submitter. Criteria: Invitae Variant Classification Sherloc (09022015). Collection method: clinical testing. Allele origin: germline.
Comment: This variant has not been reported in the literature in individuals affected with DOCK7-related conditions. ClinVar contains an entry for this variant (Variation ID: 656186). Algorithms developed to predict the effect of missense changes on protein structure and function are either unavailable or do not agree on the potential impact of this missense change (SIFT: "Deleterious"; PolyPhen-2: "Benign"; Align-GVGD: "Class C0"). In summary, the available evidence is currently insufficient to determine the role of this variant in disease. Therefore, it has been classified as a Variant of Uncertain Significance. This variant is not present in population databases (gnomAD no frequency). This sequence change replaces glycine, which is neutral and non-polar, with valine, which is neutral and non-polar, at codon 152 of the DOCK7 protein (p.Gly152Val).

NM_001367561.1(DOCK7):c.455G>T (p.Gly152Val)

Gene: DOCK7 (dedicator of cytokinesis 7; minus strand). Cytogenetic location: 1p31.3.
Variant type: single nucleotide variant.
Coding change: c.455G>T on transcript NM_001367561.1 (MANE Select); coding-DNA position 455, G replaced by T.
Protein change: p.Gly152Val; replaces glycine 152 with valine.
Molecular consequence: missense variant.
Genome position (GRCh38, 1-based): chr1:62,648,479, C>A on the plus strand (G>T on the coding strand, the complement: DOCK7 is on the minus strand). VCF-style: chr1-62648479-C-A. GRCh37 (hg19) VCF-style: chr1-63114150-C-A.
Other names: c.455G>T, p.Gly152Val (NM_001271999.2, NM_001272000.2, NM_001272001.2 and 3 more transcripts); short protein forms G152V.
Identifiers: ClinVar variation 656186 (VCV000656186.8), dbSNP rs1410619828, ClinGen allele CA340628545.